The following is an entry in ClinVar:

ClinVar aggregate classification (germline): Conflicting classifications of pathogenicity. Review status: criteria provided, conflicting classifications (1 of 4 stars). 2 submissions from 2 submitters: Uncertain significance (1); Likely benign (1). Last evaluated 2022-06-16.

Conditions:
Amyotrophic lateral sclerosis type 4 (ALS4). Also called: AMYOTROPHIC LATERAL SCLEROSIS 4, JUVENILE; NEURONOPATHY, DISTAL HEREDITARY MOTOR, WITH PYRAMIDAL FEATURES. Identifiers: Orphanet 357043, MedGen C1865409, MONDO:0011223, OMIM 602433.
Spinocerebellar ataxia, autosomal recessive, with axonal neuropathy 2 (SCAN2). Also called: Ataxia with Oculomotor Apraxia; ATAXIA-OCULOMOTOR APRAXIA 2; Ataxia with Oculomotor Apraxia Type 2; Ataxia-ocular apraxia-2. Identifiers: Orphanet 64753, MedGen C1853761, MONDO:0018996, OMIM 606002.

Allele frequency attached by ClinVar (database versions not stated): gnomAD 0.00001; gnomAD exomes 0.00001; ExAC 0.00002.
gnomAD v4.1: 13 of 1,613,768 alleles (0.00081%); highest among the groups gnomAD compares: South Asian, 0.012%; no homozygotes.

Submissions (2):

GeneDx
Classification: Uncertain significance. Last evaluated: 2022-06-16. Review status: criteria provided, single submitter. Criteria: GeneDx Variant Classification Process June 2021. Collection method: clinical testing. Allele origin: germline. Affected: yes.
Comment: In silico analysis supports that this missense variant has a deleterious effect on protein structure/function; Has not been previously published as pathogenic or benign to our knowledge

Labcorp Genetics (formerly Invitae), Labcorp
Classification: Likely benign for Amyotrophic lateral sclerosis type 4; Spinocerebellar ataxia, autosomal recessive, with axonal neuropathy 2. Last evaluated: 2022-04-16. Review status: criteria provided, single submitter. Criteria: Invitae Variant Classification Sherloc (09022015). Collection method: clinical testing. Allele origin: germline.

NM_015046.7(SETX):c.5858C>T (p.Pro1953Leu)

Gene: SETX (senataxin; minus strand). Cytogenetic location: 9q34.13.
Variant type: single nucleotide variant.
Coding change: c.5858C>T on transcript NM_015046.7 (MANE Select); coding-DNA position 5858, C replaced by T.
Protein change: p.Pro1953Leu; replaces proline 1953 with leucine.
Molecular consequence: missense variant.
Genome position (GRCh38, 1-based): chr9:132,296,978, G>A on the plus strand (C>T on the coding strand, the complement: SETX is on the minus strand). VCF-style: chr9-132296978-G-A. GRCh37 (hg19) VCF-style: chr9-135172365-G-A.
Other names: c.5858C>T, p.Pro1953Leu (NM_001351527.2, NM_001351528.2); short protein forms P1953L.
Identifiers: ClinVar variation 1804534 (VCV001804534.6), dbSNP rs749598296, ClinGen allele CA5296884.